The following is an entry in ClinVar:

NM_133497.4(KCNV2):c.517C>A (p.Leu173Ile)

Gene: KCNV2 (potassium voltage-gated channel modifier subfamily V member 2; plus strand). Cytogenetic location: 9p24.2.
Variant type: single nucleotide variant.
Coding change: c.517C>A on transcript NM_133497.4 (MANE Select); coding-DNA position 517, C replaced by A.
Protein change: p.Leu173Ile; replaces leucine 173 with isoleucine.
Molecular consequence: missense variant.
Genome position (GRCh38, 1-based): chr9:2,718,256, C>A. VCF-style: chr9-2718256-C-A. GRCh37 (hg19) VCF-style: chr9-2718256-C-A.
Other names: c.517C>A (NM_133497.3); short protein forms L173I.
Identifiers: ClinVar variation 1056622 (VCV001056622.11), dbSNP rs760750739, ClinGen allele CA4965486.

ClinVar aggregate classification (germline): Uncertain significance. Review status: criteria provided, multiple submitters, no conflicts (2 of 4 stars). 3 submissions from 3 submitters: Uncertain significance (3). Last evaluated 2024-11-12.

Conditions:
Inborn genetic diseases. Identifiers: MedGen C0950123, MeSH D030342.

Allele frequency attached by ClinVar (database versions not stated): ExAC 0.00001; gnomAD exomes 0.00004.
gnomAD v4.1: 21 of 1,612,808 alleles (0.0013%); highest among the groups gnomAD compares: Admixed American, 0.032%; no homozygotes.

Submissions (3):

Ambry Genetics
Classification: Uncertain significance for Inborn genetic diseases. Last evaluated: 2024-11-12. Review status: criteria provided, single submitter. Criteria: Ambry Variant Classification Scheme 2023. Collection method: clinical testing. Allele origin: germline.

Labcorp Genetics (formerly Invitae), Labcorp
Classification: Uncertain significance. Last evaluated: 2024-11-05. Review status: criteria provided, single submitter. Criteria: Invitae Variant Classification Sherloc (09022015). Collection method: clinical testing. Allele origin: germline.
Comment: This sequence change replaces leucine, which is neutral and non-polar, with isoleucine, which is neutral and non-polar, at codon 173 of the KCNV2 protein (p.Leu173Ile). This variant is present in population databases (rs760750739, gnomAD 0.03%). This variant has not been reported in the literature in individuals affected with KCNV2-related conditions. ClinVar contains an entry for this variant (Variation ID: 1056622). Invitae Evidence Modeling of protein sequence and biophysical properties (such as structural, functional, and spatial information, amino acid conservation, physicochemical variation, residue mobility, and thermodynamic stability) indicates that this missense variant is not expected to disrupt KCNV2 protein function with a negative predictive value of 95%. In summary, the available evidence is currently insufficient to determine the role of this variant in disease. Therefore, it has been classified as a Variant of Uncertain Significance.

Blueprint Genetics
Classification: Uncertain significance. Last evaluated: 2021-11-24. Review status: criteria provided, single submitter. Criteria: ACMG Guidelines, 2015. Collection method: clinical testing. Allele origin: germline.